The following is an entry in ClinVar:

NM_152416.4(NDUFAF6):c.266C>T (p.Ala89Val)

Gene: NDUFAF6 (NADH:ubiquinone oxidoreductase complex assembly factor 6; plus strand). Cytogenetic location: 8q22.1.
Variant type: single nucleotide variant.
Coding change: c.266C>T on transcript NM_152416.4 (MANE Select); coding-DNA position 266, C replaced by T.
Protein change: p.Ala89Val; replaces alanine 89 with valine.
Molecular consequence: missense variant. On other transcripts: 5 prime UTR variant (17), non-coding transcript variant (6), intron variant (1).
Genome position (GRCh38, 1-based): chr8:95,032,063, C>T. VCF-style: chr8-95032063-C-T. GRCh37 (hg19) VCF-style: chr8-96044291-C-T.
Other names: c.-15C>T (NM_001330582.2, NM_001354514.2, NM_001354515.2 and 1 more transcripts); c.110C>T, p.Ala37Val (NM_001354516.2); c.-187C>T (NM_001354518.2); c.-183C>T (NM_001354519.2); c.-315C>T (NM_001354522.2, NM_001354529.2); c.-388C>T (NM_001354524.2, NM_001354525.2); c.-532C>T (NM_001354527.2); c.-503C>T (NM_001354528.2); and 6 more; short protein forms A37V, A89V.
Identifiers: ClinVar variation 1333393 (VCV001333393.1), dbSNP rs2131775130, ClinGen allele CA371744185.

ClinVar aggregate classification (germline): Uncertain significance (1 of 4 stars; one submission).

Conditions:
Mitochondrial complex I deficiency, nuclear type 17. Also called: Mitochondrial complex 1 deficiency, nuclear type 17. Identifiers: MedGen C4748786, MONDO:0032622, OMIM 618239.

Submission:

3billion
Classification: Uncertain significance for Mitochondrial complex I deficiency, nuclear type 17. Last evaluated: 2022-01-03. Review status: criteria provided, single submitter. Criteria: ACMG Guidelines, 2015. Collection method: clinical testing. Allele origin: germline. Affected: yes. Observed: 1 homozygote.
Comment: A different missense change at the same codon has been reported to be associated with NDUFAF6 related disorder (PMID:28639102, PM5_P). In silico tool predictions suggest damaging effect of the variant on gene or gene product (REVEL: 0.763, PP3_P). A missense variant is a common mechanism associated with Mitochondrial complex I deficiency (PP2_P). It is not observed in the gnomAD v2.1.1 dataset (PM2_M). Therefore, this variant is classified as uncertain significance according to the recommendation of ACMG/AMP guideline.

Literature cited by the submitters: PubMed 28639102.